The following is an entry in ClinVar:

ClinVar aggregate classification (germline): Uncertain significance. Review status: criteria provided, multiple submitters, no conflicts (2 of 4 stars). 4 submissions from 4 submitters: Uncertain significance (4). Last evaluated 2022-10-07.

Conditions:
Dilated cardiomyopathy 1R (CMD1R). Identifiers: Orphanet 154, Orphanet 54260, MedGen C3150681, MONDO:0013261, OMIM 613424.
Hypertrophic cardiomyopathy. Also called: HYPERTROPHIC MYOCARDIOPATHY. Identifiers: Orphanet 217569, MedGen C0007194, MeSH D002312, MONDO:0005045, HP:0001639.

Submissions (4):

Blueprint Genetics
Classification: Uncertain significance. Last evaluated: 2022-10-07. Review status: criteria provided, single submitter. Criteria: ACMG Guidelines, 2015. Collection method: clinical testing. Allele origin: germline.

Labcorp Genetics (formerly Invitae), Labcorp
Classification: Uncertain significance for Hypertrophic cardiomyopathy. Last evaluated: 2018-02-16. Review status: criteria provided, single submitter. Criteria: Invitae Variant Classification Sherloc (09022015). Collection method: clinical testing. Allele origin: germline.
Comment: This variant has been reported in individuals affected with dilated cardiomyopathy (PMID: 24503780, 27532257). ClinVar contains an entry for this variant (Variation ID: 42851). This variant is not present in population databases (ExAC no frequency). This sequence change replaces isoleucine with valine at codon 533 of the MYH7 protein (p.Ile533Val). The isoleucine residue is highly conserved and there is a small physicochemical difference between isoleucine and valine. This variant is found within a region of MYH7 between codons 181 and 937 that contains the majority of the myosin head domain. Missense variants in this region have been shown to be significantly overrepresented in individuals with hypertrophic cardiomyopathy (PMID: 27532257). A computational algorithm designed to assess the pathogenicity of variants in MYH7 with regard to hypertrophic cardiomyopathy predicted this sequence change to be deleterious. The algorithm has a sensitivity of 94% and a specificity of 89% (PMID: 21310275). In summary, the available evidence is currently insufficient to determine the role of this variant in disease. Therefore, it has been classified as a Variant of Uncertain Significance.

Laboratory for Molecular Medicine, Mass General Brigham Personalized Medicine
Classification: Uncertain significance. Last evaluated: 2014-04-04. Review status: criteria provided, single submitter. Criteria: LMM Criteria. Collection method: clinical testing. Allele origin: germline. Observed: 6 variant alleles.
Comment: proposed classification - variant undergoing re-assessment, contact laboratory

Institute of Human Genetics, University of Leipzig Medical Center
Classification: Uncertain significance for Dilated cardiomyopathy 1R. Review status: criteria provided, single submitter. Criteria: ACMG Guidelines, 2015. Collection method: clinical testing. Allele origin: unknown. Inheritance: Autosomal dominant inheritance. Affected: yes.
Comment: Criteria applied: PM1,PM2

Literature cited by the submitters: PubMed 24503780 (cited by Labcorp Genetics (formerly Invitae), Labcorp); PubMed 27532257 (cited by Labcorp Genetics (formerly Invitae), Labcorp); PubMed 21310275 (cited by Labcorp Genetics (formerly Invitae), Labcorp); PubMed 17019812 (cited by Laboratory for Molecular Medicine, Mass General Brigham Personalized Medicine).

NM_000257.4(MYH7):c.1597A>G (p.Ile533Val)

Gene: MYH7 (myosin heavy chain 7; minus strand). Cytogenetic location: 14q11.2.
Variant type: single nucleotide variant.
Coding change: c.1597A>G on transcript NM_000257.4 (MANE Select); coding-DNA position 1597, A replaced by G.
Protein change: p.Ile533Val; replaces isoleucine 533 with valine.
Molecular consequence: missense variant.
Genome position (GRCh38, 1-based): chr14:23,427,876, T>C on the plus strand (A>G on the coding strand, the complement: MYH7 is on the minus strand). VCF-style: chr14-23427876-T-C. GRCh37 (hg19) VCF-style: chr14-23897085-T-C.
Other names: short protein forms I533V.
Identifiers: ClinVar variation 42851 (VCV000042851.14), dbSNP rs397516113, ClinGen allele CA011020.